The following is an entry in ClinVar:

ClinVar aggregate classification (germline): Uncertain significance (0 of 4 stars; one submission).

Allele frequency attached by ClinVar (database versions not stated): gnomAD exomes 0.00001.
gnomAD v4.1: 19 of 1,612,462 alleles (0.0012%); highest among the groups gnomAD compares: Non-Finnish European, 0.0016%; no homozygotes.

Submission:

Department of Pathology and Laboratory Medicine, Sinai Health System
Classification: Uncertain significance. Review status: no assertion criteria provided. Collection method: clinical testing. Allele origin: unknown. Affected: yes. Study: The Canadian Open Genetics Repository (COGR).
Comment: The FREM1 p.Asn265Ser variant was not identified in the literature nor was it identified in ClinVar. The variant was identified in dbSNP (ID: rs1211552660) and in control databases in 3 of 248020 chromosomes at a frequency of 0.0000121 (Genome Aggregation Database March 6, 2019, v2.1.1). The variant was observed in the European (non-Finnish) population in 3 of 112414 chromosomes (freq: 0.000027), but was not observed in the African, Latino, Ashkenazi Jewish, East Asian, European (Finnish), Other, or South Asian populations. The p.Asn265 residue is conserved in mammals and computational analyses (PolyPhen-2, SIFT, AlignGVGD, BLOSUM, MutationTaster) provide inconsistent predictions regarding the impact to the protein; this information is not very predictive of pathogenicity. The variant occurs outside of the splicing consensus sequence and in silico or computational prediction software programs (SpliceSiteFinder, MaxEntScan, NNSPLICE, GeneSplicer) do not predict a difference in splicing. In summary, based on the above information the clinical significance of this variant cannot be determined with certainty at this time. This variant is classified as a variant of uncertain significance.

NM_001379081.2(FREM1):c.5186A>G (p.Asn1729Ser)

Gene: FREM1 (FRAS1 related extracellular matrix 1; minus strand). Cytogenetic location: 9p22.3.
Variant type: single nucleotide variant.
Coding change: c.5186A>G on transcript NM_001379081.2 (MANE Select); coding-DNA position 5186, A replaced by G.
Protein change: p.Asn1729Ser; replaces asparagine 1729 with serine.
Molecular consequence: missense variant. On other transcripts: non-coding transcript variant (1).
Genome position (GRCh38, 1-based): chr9:14,769,742, T>C on the plus strand (A>G on the coding strand, the complement: FREM1 is on the minus strand). VCF-style: chr9-14769742-T-C. GRCh37 (hg19) VCF-style: chr9-14769740-T-C.
Other names: c.794A>G, p.Asn265Ser (NM_001177704.3, NM_001370058.2, NM_001370061.2); c.5186A>G, p.Asn1729Ser (NM_144966.7); short protein forms N1729S, N265S.
Identifiers: ClinVar variation 1049310 (VCV001049310.1), dbSNP rs1211552660, ClinGen allele CA372961994.
Genomic context (GRCh38, chr9:14,769,742, plus strand): 5'-GGATGTAACATATAGGACTACTGAATAAGCAAGAGAATTTACATTTGAGGAGTGGCCGAG[T>C]TCCCTGTGGGGTCCATGATTTGAAATTCCACGGTATCTGAATTTACTTCCAAAGATGGGT-3'
Protein context (NP_001366010.1, residues 1719-1739): VEFQIMDPTG[Asn1729Ser]SATPQILELK